The following is an entry in ClinVar:

ClinVar aggregate classification (germline): Conflicting classifications of pathogenicity. Review status: criteria provided, conflicting classifications (1 of 4 stars). 2 submissions from 2 submitters: Uncertain significance (1); Likely benign (1). Last evaluated 2025-06-10.

Conditions:
Inborn genetic diseases. Identifiers: MedGen C0950123, MeSH D030342.

Allele frequency attached by ClinVar (database versions not stated): gnomAD exomes 0.00001; ExAC 0.00002; gnomAD 0.00003 and 0.00004; TOPMed 0.00005; ESP Exome Variant Server 0.00008.
gnomAD v4.1: 11 of 1,614,034 alleles (0.00068%); highest among the groups gnomAD compares: African/African-American, 0.0067%; no homozygotes.

Submissions (2):

Ambry Genetics
Classification: Likely benign for Inborn genetic diseases. Last evaluated: 2025-06-10. Review status: criteria provided, single submitter. Criteria: Ambry Variant Classification Scheme 2023. Collection method: clinical testing. Allele origin: germline.

Labcorp Genetics (formerly Invitae), Labcorp
Classification: Uncertain significance. Last evaluated: 2025-05-27. Review status: criteria provided, single submitter. Criteria: Invitae Variant Classification Sherloc (09022015). Collection method: clinical testing. Allele origin: germline.
Comment: This sequence change replaces threonine, which is neutral and polar, with serine, which is neutral and polar, at codon 601 of the KMT2A protein (p.Thr601Ser). This variant is present in population databases (rs368659701, gnomAD 0.01%). This variant has not been reported in the literature in individuals affected with KMT2A-related conditions. ClinVar contains an entry for this variant (Variation ID: 1405132). Invitae Evidence Modeling of protein sequence and biophysical properties (such as structural, functional, and spatial information, amino acid conservation, physicochemical variation, residue mobility, and thermodynamic stability) indicates that this missense variant is not expected to disrupt KMT2A protein function with a negative predictive value of 95%. In summary, the available evidence is currently insufficient to determine the role of this variant in disease. Therefore, it has been classified as a Variant of Uncertain Significance.

NM_001197104.2(KMT2A):c.1802C>G (p.Thr601Ser)

Gene: KMT2A (lysine methyltransferase 2A; plus strand). Cytogenetic location: 11q23.3.
Variant type: single nucleotide variant.
Coding change: c.1802C>G on transcript NM_001197104.2 (MANE Select); coding-DNA position 1802, C replaced by G.
Protein change: p.Thr601Ser; replaces threonine 601 with serine.
Molecular consequence: missense variant.
Genome position (GRCh38, 1-based): chr11:118,472,961, C>G. VCF-style: chr11-118472961-C-G. GRCh37 (hg19) VCF-style: chr11-118343676-C-G.
Other names: c.1802C>G (NM_001197104.1); c.1802C>G, p.Thr601Ser (NM_005933.4); short protein forms T601S.
Identifiers: ClinVar variation 1405132 (VCV001405132.10), dbSNP rs368659701, ClinGen allele CA6303445.